The following is an entry in ClinVar:

NM_004656.4(BAP1):c.2057-3C>T

Gene: BAP1 (BRCA1 associated deubiquitinase 1; minus strand). Cytogenetic location: 3p21.1.
Variant type: single nucleotide variant.
Coding change: c.2057-3C>T on transcript NM_004656.4 (MANE Select); 3 bases into the intron before coding-DNA position 2057, C replaced by T.
Molecular consequence: intron variant.
Genome position (GRCh38, 1-based): chr3:52,402,424, G>A on the plus strand (C>T on the coding strand, the complement: BAP1 is on the minus strand). VCF-style: chr3-52402424-G-A. GRCh37 (hg19) VCF-style: chr3-52436440-G-A.
Other names: c.2057-3C>T (NM_004656.2).
Identifiers: ClinVar variation 861262 (VCV000861262.8), dbSNP rs1704988328, ClinGen allele CA916081432.

ClinVar aggregate classification (germline): Conflicting classifications of pathogenicity. Review status: criteria provided, conflicting classifications (1 of 4 stars). 2 submissions from 2 submitters: Uncertain significance (1); Benign (1). Last evaluated 2026-04-01.

Conditions:
Hereditary cancer-predisposing syndrome. Also called: Tumor predisposition; Neoplastic Syndromes, Hereditary; Hereditary neoplastic syndrome; Hereditary Cancer Syndrome. Identifiers: Orphanet 140162, MedGen C0027672, MeSH D009386, MONDO:0015356.
BAP1-related tumor predisposition syndrome (TPDS1). Also called: Tumor susceptibility linked to germline BAP1 mutations; BAP1 tumor predisposition syndrome; COMMON Syndrome; TUMOR PREDISPOSITION SYNDROME 1. Identifiers: Orphanet 289539, MedGen C3280492, MONDO:0013692, OMIM 614327.

Submissions (2):

Ambry Genetics
Classification: Benign for Hereditary cancer-predisposing syndrome. Last evaluated: 2026-04-01. Review status: criteria provided, single submitter. Criteria: Ambry Variant Classification Scheme 2023. Collection method: clinical testing. Allele origin: germline.

Labcorp Genetics (formerly Invitae), Labcorp
Classification: Uncertain significance for BAP1-related tumor predisposition syndrome. Last evaluated: 2019-01-10. Review status: criteria provided, single submitter. Criteria: Invitae Variant Classification Sherloc (09022015). Collection method: clinical testing. Allele origin: germline.
Comment: In summary, the available evidence is currently insufficient to determine the role of this variant in disease. Therefore, it has been classified as a Variant of Uncertain Significance. Nucleotide substitutions within the consensus splice site are a relatively common cause of aberrant splicing (PMID: 17576681, 9536098). Algorithms developed to predict the effect of sequence changes on RNA splicing suggest that this variant is not likely to affect RNA splicing, but this prediction has not been confirmed by published transcriptional studies. This variant has not been reported in the literature in individuals with BAP1-related conditions. This variant is not present in population databases (ExAC no frequency). This sequence change falls in intron 16 of the BAP1 gene. It does not directly change the encoded amino acid sequence of the BAP1 protein, but it affects a nucleotide within the consensus splice site of the intron.

Literature cited by the submitters: PubMed 38969833 (cited by Ambry Genetics); PubMed 17576681 (cited by Labcorp Genetics (formerly Invitae), Labcorp); PubMed 9536098 (cited by Labcorp Genetics (formerly Invitae), Labcorp).